The following is an entry in ClinVar:

NM_172364.5(CACNA2D4):c.2365G>T (p.Glu789Ter)

Gene: CACNA2D4 (calcium voltage-gated channel auxiliary subunit alpha2delta 4; minus strand). Cytogenetic location: 12p13.33.
Variant type: single nucleotide variant.
Coding change: c.2365G>T on transcript NM_172364.5 (MANE Select); coding-DNA position 2365, G replaced by T.
Protein change: p.Glu789Ter; replaces glutamic acid 789 with a stop codon.
Molecular consequence: nonsense.
Genome position (GRCh38, 1-based): chr12:1,844,507, C>A on the plus strand (G>T on the coding strand, the complement: CACNA2D4 is on the minus strand). VCF-style: chr12-1844507-C-A. GRCh37 (hg19) VCF-style: chr12-1953673-C-A.
Other names: short protein forms E789*.
Identifiers: ClinVar variation 1480377 (VCV001480377.6), dbSNP rs199886801, ClinGen allele CA383358274.

ClinVar aggregate classification (germline): Uncertain significance (1 of 4 stars; one submission).

gnomAD v4.1: 3 of 1,613,064 alleles (0.00019%); highest among the groups gnomAD compares: Admixed American, 0.005%; no homozygotes.

Submission:

Labcorp Genetics (formerly Invitae), Labcorp
Classification: Uncertain significance. Last evaluated: 2024-03-02. Review status: criteria provided, single submitter. Criteria: Invitae Variant Classification Sherloc (09022015). Collection method: clinical testing. Allele origin: germline.
Comment: This sequence change creates a premature translational stop signal (p.Glu789*) in the CACNA2D4 gene. It is expected to result in an absent or disrupted protein product. However, the current clinical and genetic evidence is not sufficient to establish whether loss-of-function variants in CACNA2D4 cause disease. This variant is not present in population databases (gnomAD no frequency). This variant has not been reported in the literature in individuals affected with CACNA2D4-related conditions. ClinVar contains an entry for this variant (Variation ID: 1480377). In summary, the available evidence is currently insufficient to determine the role of this variant in disease. Therefore, it has been classified as a Variant of Uncertain Significance.